The following is an entry in ClinVar:

ClinVar aggregate classification (germline): Uncertain significance (1 of 4 stars; one submission).

Submission:

Labcorp Genetics (formerly Invitae), Labcorp
Classification: Uncertain significance. Last evaluated: 2022-08-16. Review status: criteria provided, single submitter. Criteria: Invitae Variant Classification Sherloc (09022015). Collection method: clinical testing. Allele origin: germline.
Comment: This variant is not present in population databases (gnomAD no frequency). This sequence change replaces lysine, which is basic and polar, with arginine, which is basic and polar, at codon 331 of the LCA5 protein (p.Lys331Arg). This variant has not been reported in the literature in individuals affected with LCA5-related conditions. In summary, the available evidence is currently insufficient to determine the role of this variant in disease. Therefore, it has been classified as a Variant of Uncertain Significance. Algorithms developed to predict the effect of missense changes on protein structure and function (SIFT, PolyPhen-2, Align-GVGD) all suggest that this variant is likely to be disruptive. ClinVar contains an entry for this variant (Variation ID: 1377960).

NM_001122769.3(LCA5):c.992A>G (p.Lys331Arg)

Gene: LCA5 (lebercilin LCA5; minus strand). Cytogenetic location: 6q14.1.
Variant type: single nucleotide variant.
Coding change: c.992A>G on transcript NM_001122769.3 (MANE Select); coding-DNA position 992, A replaced by G.
Protein change: p.Lys331Arg; replaces lysine 331 with arginine.
Molecular consequence: missense variant.
Genome position (GRCh38, 1-based): chr6:79,491,694, T>C on the plus strand (A>G on the coding strand, the complement: LCA5 is on the minus strand). VCF-style: chr6-79491694-T-C. GRCh37 (hg19) VCF-style: chr6-80201411-T-C.
Other names: c.992A>G, p.Lys331Arg (NM_181714.4); short protein forms K331R.
Identifiers: ClinVar variation 1377960 (VCV001377960.8), dbSNP rs2127668747, ClinGen allele CA364644183.
Genomic context (GRCh38, chr6:79,491,694, plus strand): 5'-ATTGTTTCTGGAGTTAAAGGATATTCTTCTGGCTTGAAGTCTTCCATGGTTTGTACTCCT[T>C]TTGTACACAGGTCTGCAAAATCACTCTGGCATGCAGCTACAGTGAAAATTATTTTTAAAA-3'
Protein context (NP_001116241.1, residues 321-341): CQSDFADLCT[Lys331Arg]GVQTMEDFKP